The following is an entry in ClinVar:

ClinVar aggregate classification (germline): Uncertain significance. Review status: criteria provided, multiple submitters, no conflicts (2 of 4 stars). 2 submissions from 2 submitters: Uncertain significance (2). Last evaluated 2021-09-01.

Allele frequency attached by ClinVar (database versions not stated): TOPMed below 0.00001; gnomAD 0.00001.
gnomAD v4.1: 6 of 1,613,980 alleles (0.00037%); highest among the groups gnomAD compares: African/African-American, 0.0027%; no homozygotes.

Submissions (2):

Labcorp Genetics (formerly Invitae), Labcorp
Classification: Uncertain significance. Last evaluated: 2021-09-01. Review status: criteria provided, single submitter. Criteria: Invitae Variant Classification Sherloc (09022015). Collection method: clinical testing. Allele origin: germline.
Comment: This sequence change replaces arginine with cysteine at codon 948 of the ABCA4 protein (p.Arg948Cys). The arginine residue is highly conserved and there is a large physicochemical difference between arginine and cysteine. This variant is present in population databases (rs751222829, ExAC 0.005%). This missense change has been observed in individual(s) with Stargardt Disease (PMID: 28127548). Advanced modeling of protein sequence and biophysical properties (such as structural, functional, and spatial information, amino acid conservation, physicochemical variation, residue mobility, and thermodynamic stability) performed at Invitae indicates that this missense variant is not expected to disrupt ABCA4 protein function. In summary, the available evidence is currently insufficient to determine the role of this variant in disease. Therefore, it has been classified as a Variant of Uncertain Significance.

Blueprint Genetics
Classification: Uncertain significance. Last evaluated: 2021-03-27. Review status: criteria provided, single submitter. Criteria: ACMG Guidelines, 2015. Collection method: clinical testing. Allele origin: germline.

Literature cited by the submitters: PubMed 28127548 (cited by Labcorp Genetics (formerly Invitae), Labcorp).

NM_000350.3(ABCA4):c.2842C>T (p.Arg948Cys)

Gene: ABCA4 (ATP binding cassette subfamily A member 4; minus strand). Cytogenetic location: 1p22.1.
Variant type: single nucleotide variant.
Coding change: c.2842C>T on transcript NM_000350.3 (MANE Select); coding-DNA position 2842, C replaced by T.
Protein change: p.Arg948Cys; replaces arginine 948 with cysteine.
Molecular consequence: missense variant.
Genome position (GRCh38, 1-based): chr1:94,046,995, G>A on the plus strand (C>T on the coding strand, the complement: ABCA4 is on the minus strand). VCF-style: chr1-94046995-G-A. GRCh37 (hg19) VCF-style: chr1-94512551-G-A.
Other names: c.2620C>T, p.Arg874Cys (NM_001425324.1); short protein forms R948C, R874C.
Identifiers: ClinVar variation 1501634 (VCV001501634.6), dbSNP rs751222829, ClinGen allele CA958139.